The following is an entry in ClinVar:

ClinVar aggregate classification (germline): Uncertain significance (1 of 4 stars; one submission).

gnomAD v4.1: 10 of 1,613,362 alleles (0.00062%); highest among the groups gnomAD compares: Non-Finnish European, 0.00068%; no homozygotes.

Submission:

Ambry Genetics
Classification: Uncertain significance. Last evaluated: 2026-04-01. Review status: criteria provided, single submitter. Criteria: Ambry Variant Classification Scheme 2023. Collection method: clinical testing. Allele origin: germline.
Comment: The c.860G>T (p.R287M) alteration is located in exon 2 (coding exon 2) of the TCHH gene. This alteration results from a G to T substitution at nucleotide position 860, causing the arginine (R) at amino acid position 287 to be replaced by a methionine (M). Based on data from gnomAD, the T allele has an overall frequency of <0.001% (1/249312) total alleles studied. The highest observed frequency was 0.001% (1/113254) of European (non-Finnish) alleles. Based on insufficient or conflicting evidence, the clinical significance of this alteration remains unclear.

NM_007113.4(TCHH):c.860G>T (p.Arg287Met)

Gene: TCHH (trichohyalin; minus strand). Cytogenetic location: 1q21.3.
Variant type: single nucleotide variant.
Coding change: c.860G>T on transcript NM_007113.4 (MANE Select); coding-DNA position 860, G replaced by T.
Protein change: p.Arg287Met; replaces arginine 287 with methionine.
Molecular consequence: missense variant.
Genome position (GRCh38, 1-based): chr1:152,112,357, C>A on the plus strand (G>T on the coding strand, the complement: TCHH is on the minus strand). VCF-style: chr1-152112357-C-A. GRCh37 (hg19) VCF-style: chr1-152084833-C-A.
Other names: short protein forms R287M.
Identifiers: ClinVar variation 4865390 (VCV004865390.1).